The following is an entry in ClinVar:

ClinVar aggregate classification (germline): Uncertain significance (1 of 4 stars; one submission).

Allele frequency attached by ClinVar (database versions not stated): TOPMed 0.00004; ESP Exome Variant Server 0.00008; gnomAD 0.00005; gnomAD exomes 0.00003.
gnomAD v4.1: 51 of 1,614,208 alleles (0.0032%); highest among the groups gnomAD compares: East Asian, 0.0045%; no homozygotes.

Submission:

Labcorp Genetics (formerly Invitae), Labcorp
Classification: Uncertain significance. Last evaluated: 2022-05-04. Review status: criteria provided, single submitter. Criteria: Invitae Variant Classification Sherloc (09022015). Collection method: clinical testing. Allele origin: germline.
Comment: This sequence change replaces alanine, which is neutral and non-polar, with valine, which is neutral and non-polar, at codon 1409 of the FBN3 protein (p.Ala1409Val). This variant is present in population databases (rs371026092, gnomAD 0.006%). This variant has not been reported in the literature in individuals affected with FBN3-related conditions. Algorithms developed to predict the effect of missense changes on protein structure and function output the following: SIFT: "Not Available"; PolyPhen-2: "Benign"; Align-GVGD: "Not Available". The valine amino acid residue is found in multiple mammalian species, which suggests that this missense change does not adversely affect protein function. In summary, the available evidence is currently insufficient to determine the role of this variant in disease. Therefore, it has been classified as a Variant of Uncertain Significance.

NM_032447.5(FBN3):c.4226C>T (p.Ala1409Val)

Gene: FBN3 (fibrillin 3; minus strand). Cytogenetic location: 19p13.2.
Variant type: single nucleotide variant.
Coding change: c.4226C>T on transcript NM_032447.5 (MANE Select); coding-DNA position 4226, C replaced by T.
Protein change: p.Ala1409Val; replaces alanine 1409 with valine.
Molecular consequence: missense variant.
Genome position (GRCh38, 1-based): chr19:8,110,952, G>A on the plus strand (C>T on the coding strand, the complement: FBN3 is on the minus strand). VCF-style: chr19-8110952-G-A. GRCh37 (hg19) VCF-style: chr19-8175836-G-A.
Other names: c.4226C>T, p.Ala1409Val (NM_001321431.2); short protein forms A1409V.
Identifiers: ClinVar variation 2057815 (VCV002057815.4), dbSNP rs371026092, ClinGen allele CA304983051.